The following is an entry in ClinVar:

NM_000552.5(VWF):c.1534-16C>G

Gene: VWF (von Willebrand factor; minus strand). Cytogenetic location: 12p13.31.
Variant type: single nucleotide variant.
Coding change: c.1534-16C>G on transcript NM_000552.5 (MANE Select); 16 bases into the intron before coding-DNA position 1534, C replaced by G.
Molecular consequence: intron variant.
Genome position (GRCh38, 1-based): chr12:6,058,060, G>C on the plus strand (C>G on the coding strand, the complement: VWF is on the minus strand). VCF-style: chr12-6058060-G-C. GRCh37 (hg19) VCF-style: chr12-6167226-G-C.
Other names: p.?.
Identifiers: ClinVar variation 4683708 (VCV004683708.1).
Genomic context (GRCh38, chr12:6,058,060, plus strand): 5'-ATTCCCACACAGGCCGCAGGTCTTCCCGGCATAGACGGGGGACAGCTGCAGGAGAGACCA[G>C]GCCACTCTGGAGCCGCTGCCGCGAAAGCAGCGGCATAGTTGTTTAGCTAATGAGATGGTT-3'

ClinVar aggregate classification (germline): Likely benign (1 of 4 stars; one submission).

gnomAD v4.1: 5 of 1,612,682 alleles (0.00031%); highest among the groups gnomAD compares: Admixed American, 0.0033%; no homozygotes.

Submission:

Mayo Clinic Laboratories, Mayo Clinic
Classification: Likely benign. Last evaluated: 2025-04-16. Review status: criteria provided, single submitter. Criteria: ACMG Guidelines, 2015. Collection method: clinical testing. Allele origin: germline. Observed: 1 variant allele.
Comment: BP4, BP7, PM2_supporting